The following is an entry in ClinVar:

ClinVar aggregate classification (germline): Uncertain significance (1 of 4 stars; one submission).

Submission:

Women's Health and Genetics/Laboratory Corporation of America, LabCorp
Classification: Uncertain significance. Last evaluated: 2024-01-15. Review status: criteria provided, single submitter. Criteria: LabCorp Variant Classification Summary - May 2015. Collection method: clinical testing. Allele origin: germline.
Comment: Variant summary: BAAT c.134A>G (p.Tyr45Cys) results in a non-conservative amino acid change located in the Acyl-CoA thioester hydrolase/bile acid-CoA amino acid N-acetyltransferase domain (IPR006862) of the encoded protein sequence. Three of five in-silico tools predict a damaging effect of the variant on protein function. The variant was absent in 250872 control chromosomes. The available data on variant occurrences in the general population are insufficient to allow any conclusion about variant significance. To our knowledge, no occurrence of c.134A>G in individuals affected with Bile Acid Conjugation Defect 1 and no experimental evidence demonstrating its impact on protein function have been reported. No submitters have cited clinical-significance assessments for this variant to ClinVar. Based on the evidence outlined above, the variant was classified as uncertain significance.

NM_001701.4(BAAT):c.134A>G (p.Tyr45Cys)

Gene: BAAT (bile acid-CoA:amino acid N-acyltransferase; minus strand). Cytogenetic location: 9q31.1.
Variant type: single nucleotide variant.
Coding change: c.134A>G on transcript NM_001701.4 (MANE Select); coding-DNA position 134, A replaced by G.
Protein change: p.Tyr45Cys; replaces tyrosine 45 with cysteine.
Molecular consequence: missense variant.
Genome position (GRCh38, 1-based): chr9:101,371,271, T>C on the plus strand (A>G on the coding strand, the complement: BAAT is on the minus strand). VCF-style: chr9-101371271-T-C. GRCh37 (hg19) VCF-style: chr9-104133553-T-C.
Other names: c.134A>G, p.Tyr45Cys (NM_001127610.2, NM_001374715.1); short protein forms Y45C.
Identifiers: ClinVar variation 3063921 (VCV003063921.1), dbSNP rs2538289503, ClinGen allele CA374256838.